The following is an entry in ClinVar:

ClinVar aggregate classification (germline): Uncertain significance (1 of 4 stars; one submission).

Submission:

Labcorp Genetics (formerly Invitae), Labcorp
Classification: Uncertain significance. Last evaluated: 2025-05-25. Review status: criteria provided, single submitter. Criteria: Invitae Variant Classification Sherloc (09022015). Collection method: clinical testing. Allele origin: germline.
Comment: This sequence change replaces glycine, which is neutral and non-polar, with valine, which is neutral and non-polar, at codon 680 of the COL9A3 protein (p.Gly680Val). This variant is not present in population databases (gnomAD no frequency). This variant has not been reported in the literature in individuals affected with COL9A3-related conditions. An algorithm developed to predict the effect of missense changes on protein structure and function (PolyPhen-2) suggests that this variant is likely to be disruptive. In summary, the available evidence is currently insufficient to determine the role of this variant in disease. Therefore, it has been classified as a Variant of Uncertain Significance.

NM_001853.4(COL9A3):c.2039G>T (p.Gly680Val)

Gene: COL9A3 (collagen type IX alpha 3 chain; plus strand). Cytogenetic location: 20q13.33.
Variant type: single nucleotide variant.
Coding change: c.2039G>T on transcript NM_001853.4 (MANE Select); coding-DNA position 2039, G replaced by T.
Protein change: p.Gly680Val; replaces glycine 680 with valine.
Molecular consequence: missense variant.
Genome position (GRCh38, 1-based): chr20:62,840,716, G>T. VCF-style: chr20-62840716-G-T. GRCh37 (hg19) VCF-style: chr20-61472068-G-T.
Other names: short protein forms G680V.
Identifiers: ClinVar variation 4720185 (VCV004720185.1).